The following is an entry in ClinVar:

NM_001845.6(COL4A1):c.1792G>A (p.Gly598Ser)

Gene: COL4A1 (collagen type IV alpha 1 chain; minus strand). Cytogenetic location: 13q34.
Variant type: single nucleotide variant.
Coding change: c.1792G>A on transcript NM_001845.6 (MANE Select); coding-DNA position 1792, G replaced by A.
Protein change: p.Gly598Ser; replaces glycine 598 with serine.
Molecular consequence: missense variant.
Genome position (GRCh38, 1-based): chr13:110,186,490, C>T on the plus strand (G>A on the coding strand, the complement: COL4A1 is on the minus strand). VCF-style: chr13-110186490-C-T. GRCh37 (hg19) VCF-style: chr13-110838837-C-T.
Other names: short protein forms G598S.
Identifiers: ClinVar variation 3661676 (VCV003661676.3).

ClinVar aggregate classification (germline): Likely pathogenic. Review status: criteria provided, multiple submitters, no conflicts (2 of 4 stars). 2 submissions from 2 submitters: Likely pathogenic (2). Last evaluated 2025-08-01.

Conditions:
Brain small vessel disease 1 with or without ocular anomalies (BSVD1). Also called: PORENCEPHALY, TYPE 1, AUTOSOMAL DOMINANT; BRAIN SMALL VESSEL DISEASE WITH HEMORRHAGE; GOULD SYNDROME 1; Brain small vessel disease with or without ocular anomalies. Identifiers: Orphanet 2940, Orphanet 36383, Orphanet 99810, MedGen C4755307, MONDO:0008289, OMIM 175780.

Submissions (2):

Variantyx, Inc.
Classification: Likely pathogenic for Brain small vessel disease 1 with or without ocular anomalies. Last evaluated: 2025-08-01. Review status: criteria provided, single submitter. Criteria: Variantyx Assertion Criteria 2022. Collection method: clinical testing. Allele origin: germline. Inheritance: Autosomal dominant inheritance. Affected: yes.
Comment: This is a nonsynonymous variant in the COL4A1 gene (OMIM: 120130). Pathogenic variants in this gene have been associated with autosomal dominant COL4A1-related disorders. This variant has been reported in at least one affected individual (PMID: 32732225) (PS4). The alteration replaces a glycine residue in the repetitive Gly-X-Y sequence of the triple helical domain, which disrupts the structure of fibrillar collagen and is a common disease mechanism in collagenopathies (PMID: 7695699, 8218237, 19344236) (PM1_Strong). Multiple computational algorithms predict a deleterious effect for this variant (REVEL score: 0.964) (PP3). This variant is absent from control populations (PM2). Based on the current evidence, this variant is classified as likely pathogenic for autosomal dominant COL4A1-related disorders.

Labcorp Genetics (formerly Invitae), Labcorp
Classification: Likely pathogenic. Last evaluated: 2024-09-02. Review status: criteria provided, single submitter. Criteria: Invitae Variant Classification Sherloc (09022015). Collection method: clinical testing. Allele origin: germline.
Comment: This sequence change replaces glycine, which is neutral and non-polar, with serine, which is neutral and polar, at codon 598 of the COL4A1 protein (p.Gly598Ser). This variant is not present in population databases (gnomAD no frequency). This missense change has been observed in individual(s) with clinical features of COL4A1-related conditions (PMID: 32732225). An algorithm developed to predict the effect of missense changes on protein structure and function (PolyPhen-2) suggests that this variant is likely to be disruptive. This variant disrupts the triple helix domain of COL4A1. Glycine residues within the Gly-Xaa-Yaa repeats of the triple helix domain are required for the structure and stability of fibrillar collagens (PMID: 7695699, 8218237, 19344236). In COL4A1 variants affecting these glycine residues are significantly enriched in individuals with disease (PMID: 9016532, 17078022) compared to the general population (ExAC). In summary, the currently available evidence indicates that the variant is pathogenic, but additional data are needed to prove that conclusively. Therefore, this variant has been classified as Likely Pathogenic.

Literature cited by the submitters: PubMed 32732225 (cited by Variantyx, Inc. and Labcorp Genetics (formerly Invitae), Labcorp); PubMed 7695699 (cited by Variantyx, Inc. and Labcorp Genetics (formerly Invitae), Labcorp); PubMed 8218237 (cited by Variantyx, Inc. and Labcorp Genetics (formerly Invitae), Labcorp); PubMed 19344236 (cited by Variantyx, Inc. and Labcorp Genetics (formerly Invitae), Labcorp); PubMed 9016532 (cited by Labcorp Genetics (formerly Invitae), Labcorp); PubMed 17078022 (cited by Labcorp Genetics (formerly Invitae), Labcorp).